The following is an entry in ClinVar:

NM_000136.3(FANCC):c.606_609dup (p.Leu204fs)

Genes: AOPEP (aminopeptidase O (putative); plus strand), FANCC (FA complementation group C; minus strand). Cytogenetic location: 9q22.32.
Variant type: Microsatellite.
Coding change: c.606_609dup on transcript NM_000136.3 (MANE Select); coding-DNA positions 606 to 609, 4 bases duplicated (TCTC; older notation c.606_609dupTCTC).
Protein change: p.Leu204fs; shifts the reading frame from leucine 204.
Molecular consequence: frameshift variant.
Genome position (GRCh38, 1-based): chr9:95,150,000-95,150,003, GAGA duplicated on the plus strand (TCTC on the coding strand, the reverse complement: FANCC is on the minus strand); duplicating any 4 consecutive bases within chr9:95,150,000-95,150,004 gives the same sequence; the c. name uses the placement nearest the transcript's 3' end. VCF-style (leftmost placement, unchanged base first): chr9-95149999-G-GGAGA. GRCh37 (hg19) VCF-style: chr9-97912281-G-GGAGA.
Other names: c.606_609dup, p.Leu204fs (NM_001243743.2, NM_001243744.2); short protein forms L204fs.
Identifiers: ClinVar variation 5013268 (VCV005013268.1).

ClinVar aggregate classification (germline): Pathogenic (1 of 4 stars; one submission).

Conditions:
Fanconi anemia complementation group C (FANCC). Also called: FANCONI PANCYTOPENIA, TYPE 3; FACC; Fanconi anemia, group C; FANCC-Related Fanconi Anemia. Identifiers: Orphanet 84, MedGen C3468041, MONDO:0009213, OMIM 227645.

Submission:

Myriad Genetics, Inc.
Classification: Pathogenic for Fanconi anemia complementation group C. Last evaluated: 2024-07-01. Review status: criteria provided, single submitter. Criteria: Myriad Autosomal Dominant, Autosomal Recessive and X-Linked Classification Criteria (2023). Collection method: clinical testing. Allele origin: unknown.
Comment: NM_000136.2(FANCC):c.606_609dupTCTC(L204Sfs*8) is expected to be pathogenic in the context of Fanconi anemia, FANCC-related. This variant is predicted to lead to an abnormal or absent protein product due to the creation of a premature termination codon in FANCC, a gene where loss-of-function variants are known to be pathogenic. Please note: this variant was assessed in the context of healthy population screening.